The following is an entry in ClinVar:

NM_001144872.3(CFAP73):c.5C>T (p.Ala2Val)

Gene: CFAP73 (cilia and flagella associated protein 73; plus strand). Cytogenetic location: 12q24.13.
Variant type: single nucleotide variant.
Coding change: c.5C>T on transcript NM_001144872.3 (MANE Select); coding-DNA position 5, C replaced by T.
Protein change: p.Ala2Val; replaces alanine 2 with valine.
Molecular consequence: missense variant.
Genome position (GRCh38, 1-based): chr12:113,149,862, C>T. VCF-style: chr12-113149862-C-T. GRCh37 (hg19) VCF-style: chr12-113587667-C-T.
Other names: short protein forms A2V.
Identifiers: ClinVar variation 2643350 (VCV002643350.24), dbSNP rs61748300, ClinGen allele CA6803085.
Genomic context (GRCh38, chr12:113,149,862, plus strand): 5'-TAAGCTTGTGCAAAACTCCAGCTGGTGGAAAGAAAGCTGGGGCAACTGCCAGAAGGATGG[C>T]GGTGCCCTGGGAGGAATATTTCCGACTGGCTTTGCAAGAGAAACTGTCTACGTGAGTGGG-3'
Protein context (NP_001138344.1, residues 1-12): M[Ala2Val]VPWEEYFRLA

ClinVar aggregate classification (germline): Likely benign (1 of 4 stars; one submission).

Allele frequency attached by ClinVar (database versions not stated): 1000 Genomes Project 0.00160; 1000 Genomes Project 30x 0.00172; gnomAD 0.00303; ESP Exome Variant Server 0.00307; TOPMed 0.00309; ExAC 0.00319.

Submission:

CeGaT Center for Human Genetics Tuebingen
Classification: Likely benign. Last evaluated: 2023-01-01. Review status: criteria provided, single submitter. Criteria: CeGaT Center For Human Genetics Tuebingen Variant Classification Criteria Version 2. Collection method: clinical testing. Allele origin: germline. Affected: yes. Observed: 1 variant allele.
Comment: CFAP73: BP4, BS2